The following is an entry in ClinVar:

NM_001130438.3(SPTAN1):c.785+5C>T

Gene: SPTAN1 (spectrin alpha, non-erythrocytic 1; plus strand). Cytogenetic location: 9q34.11.
Variant type: single nucleotide variant.
Coding change: c.785+5C>T on transcript NM_001130438.3 (MANE Select); 5 bases into the intron after coding-DNA position 785, C replaced by T.
Molecular consequence: intron variant.
Genome position (GRCh38, 1-based): chr9:128,576,961, C>T. VCF-style: chr9-128576961-C-T. GRCh37 (hg19) VCF-style: chr9-131339240-C-T.
Other names: c.821+5C>T (NM_001375318.1, NM_001375312.2); c.785+5C>T (NM_001375311.2, NM_001375314.2, NM_001375310.1 and 5 more transcripts).
Identifiers: ClinVar variation 1404944 (VCV001404944.7), dbSNP rs776310053, ClinGen allele CA5264246.

ClinVar aggregate classification (germline): Uncertain significance (1 of 4 stars; one submission).

Conditions:
Early-infantile DEE. Also called: Early infantile epileptic encephalopathy; Ohtahara syndrome; Early infantile epileptic encephalopathy with suppression bursts. Identifiers: Orphanet 1934, MedGen C0393706, MONDO:0800491.

Allele frequency attached by ClinVar (database versions not stated): gnomAD 0.00001; TOPMed 0.00001; ExAC 0.00003; gnomAD exomes 0.00003 and 0.00007.
gnomAD v4.1: 98 of 1,613,972 alleles (0.0061%); highest among the groups gnomAD compares: Non-Finnish European, 0.0082%; no homozygotes.

Submission:

Labcorp Genetics (formerly Invitae), Labcorp
Classification: Uncertain significance for Early-infantile DEE. Last evaluated: 2024-09-04. Review status: criteria provided, single submitter. Criteria: Invitae Variant Classification Sherloc (09022015). Collection method: clinical testing. Allele origin: germline.
Comment: This sequence change falls in intron 6 of the SPTAN1 gene. It does not directly change the encoded amino acid sequence of the SPTAN1 protein. It affects a nucleotide within the consensus splice site. This variant is present in population databases (rs776310053, gnomAD 0.007%). This variant has not been reported in the literature in individuals affected with SPTAN1-related conditions. ClinVar contains an entry for this variant (Variation ID: 1404944). Variants that disrupt the consensus splice site are a relatively common cause of aberrant splicing (PMID: 17576681, 9536098). Algorithms developed to predict the effect of sequence changes on RNA splicing suggest that this variant is not likely to affect RNA splicing. In summary, the available evidence is currently insufficient to determine the role of this variant in disease. Therefore, it has been classified as a Variant of Uncertain Significance.

Literature cited by the submitters: PubMed 17576681; PubMed 9536098.